The following is an entry in ClinVar:

ClinVar aggregate classification (germline): Uncertain significance (1 of 4 stars; one submission).

Conditions:
Immunodeficiency 39 (IMD39). Identifiers: Orphanet 574918, MedGen C4225358, MONDO:0014597, OMIM 616345.

Submission:

Labcorp Genetics (formerly Invitae), Labcorp
Classification: Uncertain significance for Immunodeficiency 39. Last evaluated: 2025-09-01. Review status: criteria provided, single submitter. Criteria: Invitae Variant Classification Sherloc (09022015). Collection method: clinical testing. Allele origin: germline.
Comment: This sequence change replaces lysine, which is basic and polar, with glutamine, which is neutral and polar, at codon 354 of the IRF7 protein (p.Lys354Gln). This variant is present in population databases (rs773449908, gnomAD 0.001%). This variant has not been reported in the literature in individuals affected with IRF7-related conditions. Invitae Evidence Modeling of protein sequence and biophysical properties (such as structural, functional, and spatial information, amino acid conservation, physicochemical variation, residue mobility, and thermodynamic stability) indicates that this missense variant is not expected to disrupt IRF7 protein function with a negative predictive value of 80%. In summary, the available evidence is currently insufficient to determine the role of this variant in disease. Therefore, it has been classified as a Variant of Uncertain Significance.

NM_001572.5(IRF7):c.1021A>C (p.Lys341Gln)

Gene: IRF7 (interferon regulatory factor 7; minus strand). Cytogenetic location: 11p15.5.
Variant type: single nucleotide variant.
Coding change: c.1021A>C on transcript NM_001572.5 (MANE Select); coding-DNA position 1021, A replaced by C.
Protein change: p.Lys341Gln; replaces lysine 341 with glutamine.
Molecular consequence: missense variant.
Genome position (GRCh38, 1-based): chr11:613,422, T>G on the plus strand (A>C on the coding strand, the complement: IRF7 is on the minus strand). VCF-style: chr11-613422-T-G. GRCh37 (hg19) VCF-style: chr11-613422-T-G.
Other names: c.1057A>C, p.Lys353Gln (NM_001440440.1); c.1018A>C, p.Lys340Gln (NM_001440442.1); c.973A>C, p.Lys325Gln (NM_001440444.1); c.931A>C, p.Lys311Gln (NM_001440445.1); c.649A>C, p.Lys217Gln (NM_001440446.1); c.934A>C, p.Lys312Gln (NM_004029.4); c.1060A>C, p.Lys354Gln (NM_004031.4); short protein forms K217Q, K311Q, K312Q, K325Q, K340Q, K341Q, K353Q, K354Q.
Identifiers: ClinVar variation 4806437 (VCV004806437.1).